The following is an entry in ClinVar:

ClinVar aggregate classification (germline): Benign/Likely benign. Review status: criteria provided, multiple submitters, no conflicts (2 of 4 stars). 3 submissions from 3 submitters: Benign (1); Likely benign (2). Last evaluated 2025-11-09.

Conditions:
Hereditary cancer-predisposing syndrome. Also called: Hereditary neoplastic syndrome; Neoplastic Syndromes, Hereditary; Hereditary Cancer Syndrome; Tumor predisposition. Identifiers: Orphanet 140162, MedGen C0027672, MeSH D009386, MONDO:0015356.
Hereditary leiomyomatosis and renal cell cancer. Also called: MULTIPLE CUTANEOUS AND UTERINE LEIOMYOMATA 1, WITH OR WITHOUT RENAL CELL CARCINOMA; LEIOMYOMA, MULTIPLE CUTANEOUS; Familial leiomyomatosis; Multiple cutaneous leiomyomas; FH tumor predisposition syndrome; Reed syndrome. Identifiers: Orphanet 523, MedGen C1708350, MONDO:0007888, OMIM 150800, HP:0007437. Disease mechanism: loss of function.

Allele frequency attached by ClinVar (database versions not stated): ESP Exome Variant Server 0.00008.
gnomAD v4.1: 5 of 1,614,022 alleles (0.00031%); highest among the groups gnomAD compares: African/African-American, 0.0067%; no homozygotes.

Submissions (3):

Labcorp Genetics (formerly Invitae), Labcorp
Classification: Likely benign. Last evaluated: 2025-11-09. Review status: criteria provided, single submitter. Criteria: Invitae Variant Classification Sherloc (09022015). Collection method: clinical testing. Allele origin: germline.

Myriad Genetics, Inc.
Classification: Benign for Hereditary leiomyomatosis and renal cell cancer. Last evaluated: 2024-10-17. Review status: criteria provided, single submitter. Criteria: Myriad Autosomal Dominant, Autosomal Recessive and X-Linked Classification Criteria (2023). Collection method: clinical testing. Allele origin: unknown.
Comment: This variant is considered benign. This variant is a silent/synonymous amino acid change and it is not expected to impact splicing.

Ambry Genetics
Classification: Likely benign for Hereditary cancer-predisposing syndrome. Last evaluated: 2017-11-30. Review status: criteria provided, single submitter. Criteria: Ambry Variant Classification Scheme 2023. Collection method: clinical testing. Allele origin: germline.

NM_000143.4(FH):c.228G>C (p.Thr76=)

Gene: FH (fumarate hydratase; minus strand). Cytogenetic location: 1q43.
Variant type: single nucleotide variant.
Coding change: c.228G>C on transcript NM_000143.4 (MANE Select); coding-DNA position 228, G replaced by C.
Protein change: p.Thr76=; no amino-acid change (threonine 76 retained).
Molecular consequence: synonymous variant.
Genome position (GRCh38, 1-based): chr1:241,517,221, C>G on the plus strand (G>C on the coding strand, the complement: FH is on the minus strand). VCF-style: chr1-241517221-C-G. GRCh37 (hg19) VCF-style: chr1-241680521-C-G.
Identifiers: ClinVar variation 529830 (VCV000529830.17), dbSNP rs373586584, ClinGen allele CA1478743.
Genomic context (GRCh38, chr1:241,517,221, plus strand): 5'-ATTTCCACAAATGCCACTTACTGGCATGCGTTCTGTCACACCTCCAATCTTAAAGTTCAT[C>G]GTAGATCTCACGGTCTGGGCGCCATAATACTTATCATTTGGCACCTTTAGTTCACCAAAG-3'
Protein context (NP_000134.2, residues 66-86): KYYGAQTVRS[Thr76=]MNFKIGGVTE